The following is an entry in ClinVar:

NM_001354712.2(THRB):c.137G>A (p.Arg46His)

Gene: THRB (thyroid hormone receptor beta; minus strand). Cytogenetic location: 3p24.2.
Variant type: single nucleotide variant.
Coding change: c.137G>A on transcript NM_001354712.2 (MANE Select); coding-DNA position 137, G replaced by A.
Protein change: p.Arg46His; replaces arginine 46 with histidine.
Molecular consequence: missense variant.
Genome position (GRCh38, 1-based): chr3:24,190,220, C>T on the plus strand (G>A on the coding strand, the complement: THRB is on the minus strand). VCF-style: chr3-24190220-C-T. GRCh37 (hg19) VCF-style: chr3-24231711-C-T.
Other names: c.137G>A, p.Arg46His (NM_001354711.2, NM_001354713.2, NM_001374822.1 and 12 more transcripts); c.44G>A, p.Arg15His (NM_001354714.2, NM_001354715.2); short protein forms R15H, R46H.
Identifiers: ClinVar variation 4819971 (VCV004819971.1).

ClinVar aggregate classification (germline): Likely benign (1 of 4 stars; one submission).

Conditions:
Thyroid hormone resistance, generalized, autosomal recessive (GRTHR). Also called: REFETOFF SYNDROME. Identifiers: MedGen C3489796, MONDO:0010131, OMIM 274300.

gnomAD v4.1: 37 of 1,614,052 alleles (0.0023%); highest among the groups gnomAD compares: Middle Eastern, 0.016%; no homozygotes.

Submission:

Centre for Medical Genetics,  Mumbai
Classification: Likely benign for Thyroid hormone resistance, generalized, autosomal recessive. Last evaluated: 2026-03-16. Review status: criteria provided, single submitter. Criteria: ACMG Guidelines, 2015. Collection method: provider interpretation. Allele origin: germline. Inheritance: Autosomal recessive inheritance. Affected: no. Observed: 1 variant allele, 1 homozygote.
Comment: The variant satisfies PM2 criteria; Extremely low frequency in gnomAD population databases. The variant satisfies PP2 criteria; Missense variant in a gene with low rate of benign missense mutations and for which missense mutation is a common mechanism of a disease. However, the variant satisfies BS2 criteria.

Literature cited by the submitters: PubMed 4163616.